The following is an entry in ClinVar:

NM_015041.3(CLUAP1):c.1198G>C (p.Val400Leu)

Gene: CLUAP1 (clusterin associated protein 1; plus strand). Cytogenetic location: 16p13.3.
Variant type: single nucleotide variant.
Coding change: c.1198G>C on transcript NM_015041.3 (MANE Select); coding-DNA position 1198, G replaced by C.
Protein change: p.Val400Leu; replaces valine 400 with leucine.
Molecular consequence: missense variant.
Genome position (GRCh38, 1-based): chr16:3,536,227, G>C. VCF-style: chr16-3536227-G-C. GRCh37 (hg19) VCF-style: chr16-3586227-G-C.
Other names: c.1255G>C, p.Val419Leu (NM_001330454.2); c.700G>C, p.Val234Leu (NM_024793.3); short protein forms V400L, V234L, V419L.
Identifiers: ClinVar variation 1462528 (VCV001462528.6), dbSNP rs2151074416, ClinGen allele CA394516621.
Genomic context (GRCh38, chr16:3,536,227, plus strand): 5'-GAGGATGACGATTTGGAAGACGAGAGCATTTCTCTCTCACCAACCAAGCCCAATCGAAGG[G>C]TCCGGAAATCTGAACCCCTGGATGAGAGTGACAATGACTTCTGACCCTTTTGCCAAGGGA-3'
Protein context (NP_055856.1, residues 390-410): SLSPTKPNRR[Val400Leu]RKSEPLDESD

ClinVar aggregate classification (germline): Uncertain significance (1 of 4 stars; one submission).

Submission:

Labcorp Genetics (formerly Invitae), Labcorp
Classification: Uncertain significance. Last evaluated: 2021-11-15. Review status: criteria provided, single submitter. Criteria: Invitae Variant Classification Sherloc (09022015). Collection method: clinical testing. Allele origin: germline.
Comment: In summary, the available evidence is currently insufficient to determine the role of this variant in disease. Therefore, it has been classified as a Variant of Uncertain Significance. Algorithms developed to predict the effect of missense changes on protein structure and function (SIFT, PolyPhen-2, Align-GVGD) all suggest that this variant is likely to be tolerated. This variant has not been reported in the literature in individuals affected with CLUAP1-related conditions. This variant is not present in population databases (gnomAD no frequency). This sequence change replaces valine, which is neutral and non-polar, with leucine, which is neutral and non-polar, at codon 400 of the CLUAP1 protein (p.Val400Leu).